The following is an entry in ClinVar:

ClinVar aggregate classification (germline): Benign/Likely benign. Review status: criteria provided, multiple submitters, no conflicts (2 of 4 stars). 3 submissions from 3 submitters: Benign (1); Likely benign (1). 1 of the submissions does not count toward it. Last evaluated 2025-12-15.

Conditions:
Androgen resistance syndrome (AIS). Also called: TESTICULAR FEMINIZATION SYNDROME; Androgen insensitivity, complete; Androgen insensitivity; Androgen insensitivity syndrome due to coactivator deficiency; ANDROGEN RECEPTOR DEFICIENCY; DIHYDROTESTOSTERONE RECEPTOR DEFICIENCY. Identifiers: Orphanet 754, Orphanet 99429, MedGen C0039585, MONDO:0019154, OMIM 300068. Disease mechanism: loss of function.
Kennedy disease (SMAX1). Also called: Spinal and Bulbar Muscular Atrophy; SPINAL AND BULBAR MUSCULAR ATROPHY, X-LINKED 1; KENNEDY SPINAL AND BULBAR MUSCULAR ATROPHY. Identifiers: Orphanet 481, MedGen C1839259, MONDO:0010735, OMIM 313200.
AR-related disorder. Also called: AR-related condition.

Submissions (3):

Labcorp Genetics (formerly Invitae), Labcorp
Classification: Benign for Kennedy disease; Androgen resistance syndrome. Last evaluated: 2025-12-15. Review status: criteria provided, single submitter. Criteria: Invitae Variant Classification Sherloc (09022015). Collection method: clinical testing. Allele origin: germline.

Blueprint Genetics
Classification: Likely benign. Last evaluated: 2024-11-26. Review status: criteria provided, single submitter. Criteria: ACMG Guidelines, 2015. Collection method: clinical testing. Allele origin: germline.

PreventionGenetics, part of Exact Sciences
Classification: Likely benign for AR-related condition. Last evaluated: 2023-02-01. Review status: no assertion criteria provided. Collection method: clinical testing. Allele origin: germline. Not counted in ClinVar's aggregate classification.
Comment: This variant is classified as likely benign based on ACMG/AMP sequence variant interpretation guidelines (Richards et al. 2015 PMID: 25741868, with internal and published modifications).

NM_000044.6(AR):c.171GCA[11] (p.Gln69_Gln80del)

Genes: AR (androgen receptor; plus strand), LOC109504725 (androgen receptor repeat instability region; plus strand). Cytogenetic location: Xq12.
Variant type: Microsatellite.
Coding change: c.171GCA[11] on transcript NM_000044.6 (MANE Select); 11 copies in a row of the 3-base unit GCA starting at c.171; the reference has 23 copies in a row; 12 copies, 36 bases deleted.
Protein change: p.Gln69_Gln80del.
Molecular consequence: inframe deletion. On other transcripts: 5 prime UTR variant (1).
Genome position (GRCh38, 1-based): chrX:67,545,350-67,545,385, 36 bases deleted; deleting any 36 consecutive bases within chrX:67,545,317-67,545,385 gives the same sequence; the position shown is the placement nearest the transcript's 3' end. GRCh37 (hg19), VCF-style position (the base before the change): chrX:66,765,158.
Other names: c.-1613GCA[11] (NM_001011645.3); c.171GCA[11], p.Gln69_Gln80del (NM_001348061.1, NM_001348063.1, NM_001348064.1); c.204_239del36 (NM_000044.3).
Identifiers: ClinVar variation 1556388 (VCV001556388.12), dbSNP rs3032358, ClinGen allele CA877548096.